The following is an entry in ClinVar:

NM_001267550.2(TTN):c.90415G>A (p.Ala30139Thr)

Genes: TTN (titin; minus strand), TTN-AS1 (TTN antisense RNA 1; plus strand). Cytogenetic location: 2q31.2.
Variant type: single nucleotide variant.
Coding change: c.90415G>A on transcript NM_001267550.2 (MANE Select); coding-DNA position 90415, G replaced by A.
Protein change: p.Ala30139Thr; replaces alanine 30139 with threonine.
Molecular consequence: missense variant.
Genome position (GRCh38, 1-based): chr2:178,552,485, C>T on the plus strand (G>A on the coding strand, the complement: TTN is on the minus strand). VCF-style: chr2-178552485-C-T. GRCh37 (hg19) VCF-style: chr2-179417212-C-T.
Other names: c.82711G>A, p.Ala27571Thr (NM_133378.4); c.85492G>A, p.Ala28498Thr (NM_001256850.1); c.63220G>A, p.Ala21074Thr (NM_003319.4); c.63595G>A, p.Ala21199Thr (NM_133432.3); c.63796G>A, p.Ala21266Thr (NM_133437.4); short protein forms A30139T, A27571T, A21199T, A28498T, A21074T, A21266T.
Identifiers: ClinVar variation 47496 (VCV000047496.5), dbSNP rs397517748, ClinGen allele CA141184.
Genomic context (GRCh38, chr2:178,552,485, plus strand): 5'-GTTTTCCCTTATAAGGTAATTCAAGGTGCACATTGTGCCCAATTCTCACAGTGACTTGTG[C>T]CCCAGGGATATCTGACAGGTCAACTTCAGGTGTAATAATAAGTTCTTTCACTGTAATTGG-3'
Protein context (NP_001254479.2, residues 30129-30149): PEVDLSDIPG[Ala30139Thr]QVTVRIGHNV

ClinVar aggregate classification (germline): Uncertain significance (1 of 4 stars; one submission).

Submission:

Laboratory for Molecular Medicine, Mass General Brigham Personalized Medicine
Classification: Uncertain significance. Last evaluated: 2012-01-05. Review status: criteria provided, single submitter. Criteria: LMM Criteria. Collection method: clinical testing. Allele origin: germline. Observed: 1 variant allele.
Comment: Alanine (Ala) at position 27571 is conserved in mammals b ut not in lower species, increasing the likelihood that a change would be tolera ted. Computational predictions on the impact to the protein are mixed (AlignGVGD , SIFT), though the accuracy of these tools is unknown. Additional information i s needed to fully assess the clinical significance of the Ala27571Thr variant.